The following is an entry in ClinVar:

ClinVar aggregate classification (germline): Uncertain significance (1 of 4 stars; one submission).

Conditions:
ALG12-congenital disorder of glycosylation (CDG1G). Also called: CDG Ig; ALG12-CDG; Congenital disorder of glycosylation, type Ig. Identifiers: Orphanet 79324, MedGen C2931001, MONDO:0011783, OMIM 607143.

Submission:

Labcorp Genetics (formerly Invitae), Labcorp
Classification: Uncertain significance for ALG12-congenital disorder of glycosylation. Last evaluated: 2022-08-22. Review status: criteria provided, single submitter. Criteria: Invitae Variant Classification Sherloc (09022015). Collection method: clinical testing. Allele origin: germline.
Comment: Algorithms developed to predict the effect of missense changes on protein structure and function are either unavailable or do not agree on the potential impact of this missense change (SIFT: "Tolerated"; PolyPhen-2: "Probably Damaging"; Align-GVGD: "Class C0"). This variant has not been reported in the literature in individuals affected with ALG12-related conditions. This variant is not present in population databases (gnomAD no frequency). This sequence change replaces proline, which is neutral and non-polar, with arginine, which is basic and polar, at codon 487 of the ALG12 protein (p.Pro487Arg). In summary, the available evidence is currently insufficient to determine the role of this variant in disease. Therefore, it has been classified as a Variant of Uncertain Significance.

NM_024105.4(ALG12):c.1460C>G (p.Pro487Arg)

Gene: ALG12 (ALG12 alpha-1,6-mannosyltransferase; minus strand). Cytogenetic location: 22q13.33.
Variant type: single nucleotide variant.
Coding change: c.1460C>G on transcript NM_024105.4 (MANE Select); coding-DNA position 1460, C replaced by G.
Protein change: p.Pro487Arg; replaces proline 487 with arginine.
Molecular consequence: missense variant.
Genome position (GRCh38, 1-based): chr22:49,903,845, G>C on the plus strand (C>G on the coding strand, the complement: ALG12 is on the minus strand). VCF-style: chr22-49903845-G-C. GRCh37 (hg19) VCF-style: chr22-50297493-G-C.
Other names: short protein forms P487R.
Identifiers: ClinVar variation 2140400 (VCV002140400.3), dbSNP rs778688714, ClinGen allele CA412071401.